The following continues an entry in ClinVar:

NM_007294.4(BRCA1):c.4035del (p.Glu1346fs)

ClinVar aggregate classification (germline): Pathogenic. Pathogenic (1).

Submissions 27 to 44 of 48:

GeneDx
Classification: Pathogenic. Last evaluated: 2022-01-17. Review status: criteria provided, single submitter. Criteria: GeneDx Variant Classification Process June 2021. Collection method: clinical testing. Allele origin: germline. Affected: yes. Not counted in ClinVar's aggregate classification.
Comment: Frameshift variant predicted to result in protein truncation or nonsense mediated decay in a gene for which loss-of-function is a known mechanism of disease; Observed in individuals with a personal or family history consistent with pathogenic variants in this gene and is reported as a pathogenic founder variant in several eastern European countries (Gayther 1996, Bogdanova 2010, Janavicius 2013, Szwiec 2015, Synowiec 2016); Truncating variants in this gene are considered pathogenic by a well-established clinical consortium and/or database; Also known as 4153delA or 4154delA; This variant is associated with the following publications: (PMID: 29684080, 29339979, 8644703, 26779294, 23274591, 26928677, 29492181, 28166811, 23149842, 22032251, 22009639, 20345474, 20507347, 20569256, 24504028, 24797986, 20223023, 24528374, 26753012, 26843898, 27836010, 26681312, 29723101, 28831036, 29719582, 29785153, 29086229, 28279176, 30720243, 30322717, 31159747, 29625052, 26689913, 27535533)

ARUP Laboratories, Molecular Genetics and Genomics, ARUP Laboratories
Classification: Pathogenic. Last evaluated: 2021-11-26. Review status: criteria provided, single submitter. Criteria: ARUP Molecular Germline Variant Investigation Process 2021. Collection method: clinical testing. Allele origin: germline. Not counted in ClinVar's aggregate classification.
Comment: The BRCA1 c.4035delA; p.Glu1346LysfsTer20 variant (rs80357711), also known as 4153del or 4154del, is reported in several individuals affected with breast and ovarian cancer and is described as a pathogenic founder variant in the European population (Bogdanova 2010, Elsakov 2010, Plakhins 2011). The variant is reported as pathogenic by several sources in the ClinVar database (Variation ID: 37560) and is listed in the non-Finnish European population with an allele frequency of 0.009% (12/129,020 alleles) in the Genome Aggregation Database. This variant causes a frameshift by deleting a single nucleotide, so it is predicted to result in a truncated protein or mRNA subject to nonsense-mediated decay. Based on available information, this variant is considered to be pathogenic. References: Bogdanova NV et al. High frequency and allele-specific differences of BRCA1 founder mutations in breast cancer and ovarian cancer patients from Belarus. Clin Genet. 2010 Oct;78(4):364-72. PMID: 20569256. Elsakov P et al. The contribution of founder mutations in BRCA1 to breast and ovarian cancer in Lithuania. Clin Genet. 2010 Oct;78(4):373-6. PMID: 20345474. Plakhins G et al. Genotype-phenotype correlations among BRCA1 4153delA and 5382insC mutation carriers from Latvia. BMC Med Genet. 2011 Oct 27;12:147. PMID: 22032251.

Institute for Clinical Genetics, University Hospital TU Dresden, University Hospital TU Dresden
Classification: Pathogenic. Last evaluated: 2021-11-03. Review status: criteria provided, single submitter. Criteria: ACMG Guidelines, 2015. Collection method: clinical testing. Allele origin: germline. Not counted in ClinVar's aggregate classification.

GeneKor MSA
Classification: Pathogenic for Familial cancer of breast. Last evaluated: 2021-01-09. Review status: criteria provided, single submitter. Criteria: ACMG Guidelines, 2015. Collection method: clinical testing. Allele origin: germline. Affected: yes. Not counted in ClinVar's aggregate classification.
Comment: This sequence change deletes 1 nucleotide from exon 11 of the BRCA1 mRNA (c.4035delA), causing a frameshift after codon 1346 and the creation of a premature translational stop signal 20 amino acid residues later (p.Glu1346Lysfs*20) This is expected to result in an absent or disrupted protein product. Truncating variants in BRCA1 are known to be pathogenic.This variant is also known as 4153delA and 4154delA in the international literature and is a known common cause of breast and ovarian cancer in individuals from Eastern Europe (PMID: 22032251 ,23199084).This mutation has been described in the mutation database ClinVar (Variation ID: 37560).

Institute of Medical Genetics and Applied Genomics, University Hospital Tübingen
Classification: Pathogenic. Last evaluated: 2020-10-23. Review status: criteria provided, single submitter. Criteria: ACMG Guidelines, 2015. Collection method: clinical testing. Allele origin: germline. Inheritance: Autosomal dominant inheritance. Affected: yes. Not counted in ClinVar's aggregate classification.

Department of Molecular Diagnostics, Institute of Oncology Ljubljana
Classification: Pathogenic for Breast-ovarian cancer, familial, susceptibility to, 1. Last evaluated: 2020-04-02. Review status: criteria provided, single submitter. Criteria: ACMG Guidelines, 2015. Collection method: clinical testing. Allele origin: germline. Affected: yes. Not counted in ClinVar's aggregate classification.

Laboratory for Molecular Medicine, Mass General Brigham Personalized Medicine
Classification: Pathogenic for Hereditary breast ovarian cancer syndrome. Last evaluated: 2019-07-26. Review status: criteria provided, single submitter. Criteria: LMM Criteria. Collection method: clinical testing. Allele origin: germline. Inheritance: Autosomal dominant inheritance. Observed: 7 variant alleles. Not counted in ClinVar's aggregate classification.
Comment: The p.Glu1346LysfsX20 variant in BRCA1 has been reported in >100 individuals with BRCA1-associated cancers and is a known eastern European founder mutation (Janavicius 2013, Tihomirova 2014, Breast Cancer Information Core (BIC) database). This variant has been identified in 12/129020 (0.009%) of European chromosomes by gnomAD. This frequency is low enough to be consistent with the frequency of hereditary breast and ovarian cancer (HBOC) in the general population. This variant is predicted to cause a frameshift, which alters the proteinâ€™s amino acid sequence beginning at position 1346 and leads to a premature termination codon 20 amino acids downstream. This alteration is then predicted to lead to a truncated or absent protein. Heterozygous loss of function of the BRCA1 gene is an established disease mechanism in individuals with HBOC. Morevoer, this variant was classified as pathogenic on April 22, 2016 by the ClinGen-approved ENIGMA expert panel (ClinVar SCV000282321.1). In summary, the p.Glu1346LysfsX20 variant meets criteria to be classified as pathogenic for autosomal dominant HBOC. ACMG/AMP Criteria applied: PVS1, PS4.

HudsonAlpha Institute for Biotechnology
Classification: Pathogenic for Breast-ovarian cancer, familial, susceptibility to, 1. Last evaluated: 2019-02-04. Review status: criteria provided, single submitter. Criteria: ACMG Guidelines, 2015. Collection method: research. Allele origin: unknown. Observed: 1 variant allele. Study: AGHI_GT. Not counted in ClinVar's aggregate classification.

Department of Pathology and Molecular Medicine, Queen's University
Classification: Pathogenic for Hereditary breast ovarian cancer syndrome. Last evaluated: 2017-04-20. Review status: criteria provided, single submitter. Criteria: ACMG Guidelines, 2015. Collection method: clinical testing. Allele origin: germline. Study: The Canadian Open Genetics Repository (COGR). Not counted in ClinVar's aggregate classification.

Consortium of Investigators of Modifiers of BRCA1/2 (CIMBA), c/o University of Cambridge
Classification: Pathogenic for Breast-ovarian cancer, familial, susceptibility to, 1. Last evaluated: 2015-10-02. Review status: criteria provided, single submitter. Criteria: CIMBA Mutation Classification guidelines May 2016. Collection method: clinical testing. Allele origin: germline. Not counted in ClinVar's aggregate classification.

Department of Medical Genetics, Oslo University Hospital
Classification: Pathogenic for Breast-ovarian cancer, familial, susceptibility to, 1. Last evaluated: 2015-07-01. Review status: criteria provided, single submitter. Criteria: ACMG Guidelines, 2015. Collection method: clinical testing. Allele origin: germline. Affected: yes. Observed: 6 variant alleles. Not counted in ClinVar's aggregate classification.

Clinical Genetics and Genomics, Karolinska University Hospital
Classification: Pathogenic. Last evaluated: 2015-03-06. Review status: criteria provided, single submitter. Criteria: ACMG Guidelines, 2015. Collection method: clinical testing. Allele origin: germline. Affected: yes. Observed: 12 variant alleles. Not counted in ClinVar's aggregate classification.

Institute of Genomics, University of Tartu
Classification: Pathogenic for Breast-ovarian cancer, familial, susceptibility to, 1. Review status: criteria provided, single submitter. Criteria: ACMG Guidelines, 2015. Collection method: research. Allele origin: germline. Affected: yes. Observed: 16 variant alleles. Not counted in ClinVar's aggregate classification.

PreventionGenetics, part of Exact Sciences
Classification: Pathogenic for BRCA1-related condition. Last evaluated: 2024-04-20. Review status: no assertion criteria provided. Collection method: clinical testing. Allele origin: germline. Not counted in ClinVar's aggregate classification.
Comment: The BRCA1 c.4035delA variant is predicted to result in a frameshift and premature protein termination (p.Glu1346Lysfs*20). This variant has been reported multiple times as a founder variant in Belarus, Lithuania, and neighboring countries in families with hereditary breast and ovarian cancer (Gayther et al. 1996. PubMed ID: 8644703; Boqdanova et al. 2010. PubMed ID: 20569256, reported as 4153delA or 4154delA; Elsakov et al. 2010. PubMed ID: 20345474; Uqlanitsa et al. 2010. PubMed ID: 20507347). This variant is reported in 0.0093% of alleles in individuals of European (Non-Finnish) descent in gnomAD and is interpreted as pathogenic in ClinVar. Frameshift variants in BRCA1 are expected to be pathogenic. This variant is interpreted as pathogenic.

BRCAlab, Lund University
Classification: Pathogenic for Breast-ovarian cancer, familial, susceptibility to, 1. Last evaluated: 2022-08-26. Review status: no assertion criteria provided. Collection method: clinical testing. Allele origin: germline. Affected: yes. Not counted in ClinVar's aggregate classification.

CZECANCA consortium
Classification: Pathogenic for Breast and/or ovarian cancer. Last evaluated: 2019-06-11. Review status: no assertion criteria provided. Collection method: clinical testing. Allele origin: germline. Affected: yes. Observed: 1 variant allele. Not counted in ClinVar's aggregate classification.

Counsyl
Classification: Pathogenic for Breast-ovarian cancer, familial 1. Last evaluated: 2015-01-19. Review status: no assertion criteria provided. Collection method: literature only. Allele origin: unknown. Inheritance: Autosomal dominant inheritance. Not counted in ClinVar's aggregate classification.

Research Molecular Genetics Laboratory, Women's College Hospital, University of Toronto
Classification: Pathogenic for Hereditary breast ovarian cancer syndrome. Last evaluated: 2014-01-31. Review status: no assertion criteria provided. Collection method: research. Allele origin: germline. Affected: yes. Study: The Canadian Open Genetics Repository (COGR). Not counted in ClinVar's aggregate classification.